The following is an entry in ClinVar:

ClinVar aggregate classification (germline): Conflicting classifications of pathogenicity. Review status: criteria provided, conflicting classifications (1 of 4 stars). 5 submissions from 5 submitters: Uncertain significance (3); Likely benign (1). 1 of the submissions does not count toward it. Last evaluated 2025-08-01.

Conditions:
TSC1-related disorder. Also called: TSC1-related condition.
Hereditary cancer-predisposing syndrome. Also called: Neoplastic Syndromes, Hereditary; Tumor predisposition; Hereditary Cancer Syndrome; Hereditary neoplastic syndrome. Identifiers: Orphanet 140162, MedGen C0027672, MeSH D009386, MONDO:0015356.
Tuberous sclerosis syndrome (TSC). Also called: Tuberous Sclerosis Complex; Tuberous sclerosis. Identifiers: Orphanet 805, MedGen C0041341, MONDO:0001734.
Tuberous sclerosis 1 (TSC1). Identifiers: Orphanet 805, MedGen C1854465, MONDO:0008612, OMIM 191100.

Allele frequency attached by ClinVar (database versions not stated): gnomAD exomes below 0.00001; ExAC 0.00001; gnomAD 0.00001; 1000 Genomes Project 30x 0.00016; 1000 Genomes Project 0.00020.
gnomAD v4.1: 5 of 1,613,730 alleles (0.00031%); highest among the groups gnomAD compares: Middle Eastern, 0.016%; no homozygotes.

Submissions (5):

Ambry Genetics
Classification: Uncertain significance for Hereditary cancer-predisposing syndrome. Last evaluated: 2025-08-01. Review status: criteria provided, single submitter. Criteria: Ambry Variant Classification Scheme 2023. Collection method: clinical testing. Allele origin: germline.
Comment: The p.C1000W variant (also known as c.3000C>G), located in coding exon 21 of the TSC1 gene, results from a C to G substitution at nucleotide position 3000. The cysteine at codon 1000 is replaced by tryptophan, an amino acid with highly dissimilar properties. This amino acid position is well conserved in available vertebrate species. In addition, this alteration is predicted to be deleterious by in silico analysis. Based on the available evidence, the clinical significance of this variant remains unclear.

GeneDx
Classification: Uncertain significance. Last evaluated: 2024-09-25. Review status: criteria provided, single submitter. Criteria: GeneDx Variant Classification Process June 2021. Collection method: clinical testing. Allele origin: germline. Affected: yes.
Comment: In silico analysis indicates that this missense variant does not alter protein structure/function; Has not been previously published as pathogenic or benign to our knowledge

Labcorp Genetics (formerly Invitae), Labcorp
Classification: Likely benign for Tuberous sclerosis 1. Last evaluated: 2024-07-01. Review status: criteria provided, single submitter. Criteria: Invitae Variant Classification Sherloc (09022015). Collection method: clinical testing. Allele origin: germline.

All of Us Research Program, National Institutes of Health
Classification: Uncertain significance for Tuberous sclerosis syndrome. Last evaluated: 2023-06-26. Review status: criteria provided, single submitter. Criteria: ACMG Guidelines, 2015. Collection method: clinical testing. Allele origin: germline. Inheritance: Autosomal dominant inheritance. Observed: 1 variant allele, 1 heterozygote.
Comment: This missense variant replaces cysteine with tryptophan at codon 1000 of the TSC1 protein. Computational prediction is inconclusive regarding the impact of this variant on protein structure and function (internally defined REVEL score threshold 0.5 < inconclusive < 0.7, PMID: 27666373). To our knowledge, functional studies have not been reported for this variant. This variant has not been reported in individuals affected with TSC1-related disorders in the literature. This variant has been identified in 1/247322 chromosomes in the general population by the Genome Aggregation Database (gnomAD). The available evidence is insufficient to determine the role of this variant in disease conclusively. Therefore, this variant is classified as a Variant of Uncertain Significance.

This study involves interpretation of variants in research participants for the purpose of population health screening. Participant phenotype was not available at the time of variant classification. Additional details can be found in publication PMID: 35346344, PMCID: PMC8962531

PreventionGenetics, part of Exact Sciences
Classification: Uncertain significance for TSC1-related condition. Last evaluated: 2024-07-01. Review status: no assertion criteria provided. Collection method: clinical testing. Allele origin: germline. Not counted in ClinVar's aggregate classification.
Comment: The TSC1 c.3000C>G variant is predicted to result in the amino acid substitution p.Cys1000Trp. To our knowledge, this variant has not been reported in the literature. This variant is reported in 0.00090% of alleles in individuals of European (Non-Finnish) descent in gnomAD. This variant is classified as a variant of uncertain significance in ClinVar. At this time, the clinical significance of this variant is uncertain due to the absence of conclusive functional and genetic evidence.

NM_000368.5(TSC1):c.3000C>G (p.Cys1000Trp)

Gene: TSC1 (TSC complex subunit 1; minus strand). Cytogenetic location: 9q34.13.
Variant type: single nucleotide variant.
Coding change: c.3000C>G on transcript NM_000368.5 (MANE Select); coding-DNA position 3000, C replaced by G.
Protein change: p.Cys1000Trp; replaces cysteine 1000 with tryptophan.
Molecular consequence: missense variant.
Genome position (GRCh38, 1-based): chr9:132,896,730, G>C on the plus strand (C>G on the coding strand, the complement: TSC1 is on the minus strand). VCF-style: chr9-132896730-G-C. GRCh37 (hg19) VCF-style: chr9-135772117-G-C.
Other names: c.2997C>G, p.Cys999Trp (NM_001162426.2); c.2847C>G, p.Cys949Trp (NM_001162427.2); c.2637C>G, p.Cys879Trp (NM_001362177.2); short protein forms C1000W, C949W, C999W, C879W.
Identifiers: ClinVar variation 567988 (VCV000567988.14), dbSNP rs552217429, ClinGen allele CA035574.